The following is an entry in ClinVar:

ClinVar aggregate classification (germline): Uncertain significance (1 of 4 stars; one submission).

Conditions:
Cardiovascular phenotype. Identifiers: MedGen CN230736.

Submission:

Ambry Genetics
Classification: Uncertain significance for Cardiovascular phenotype. Last evaluated: 2026-09-12. Review status: criteria provided, single submitter. Criteria: Ambry Variant Classification Scheme 2023. Collection method: clinical testing. Allele origin: germline.
Comment: The p.P644H variant (also known as c.1931C>A), located in coding exon 21 of the MYBPC3 gene, results from a C to A substitution at nucleotide position 1931. The proline at codon 644 is replaced by histidine, an amino acid with similar properties. This amino acid position is conserved. In addition, the in silico prediction for this alteration is inconclusive. Based on the available evidence, the clinical significance of this variant remains unclear.

NM_000256.3(MYBPC3):c.1931C>A (p.Pro644His)

Gene: MYBPC3 (myosin binding protein C3; minus strand). Cytogenetic location: 11p11.2.
Variant type: single nucleotide variant.
Coding change: c.1931C>A on transcript NM_000256.3 (MANE Select); coding-DNA position 1931, C replaced by A.
Protein change: p.Pro644His; replaces proline 644 with histidine.
Molecular consequence: missense variant.
Genome position (GRCh38, 1-based): chr11:47,339,787, G>T on the plus strand (C>A on the coding strand, the complement: MYBPC3 is on the minus strand). VCF-style: chr11-47339787-G-T. GRCh37 (hg19) VCF-style: chr11-47361338-G-T.
Other names: short protein forms P644H.
Identifiers: ClinVar variation 5025030 (VCV005025030.1).
Genomic context (GRCh38, chr11:47,339,787, plus strand): 5'-CCAGCTACAACCACAATGGTGTCTGGTATGCGGCCTGGGCAGTCCAGGTGGATCTTGGGA[G>T]GTTCTGCAGAAGACACAATGTAGTTCAGAGAAACGGGAGAGCCAGGAGGAGCACAGGTCA-3'
Protein context (NP_000247.2, residues 634-654): VKIDFVPRQE[Pro644His]PKIHLDCPGR